The following is an entry in ClinVar:

NM_006073.4(TRDN):c.1923_1924del (p.Leu643fs)

Gene: TRDN (triadin; minus strand). Cytogenetic location: 6q22.31.
Variant type: Deletion.
Coding change: c.1923_1924del on transcript NM_006073.4 (MANE Select); coding-DNA positions 1923 to 1924, 2 bases deleted (AA; older notation c.1923_1924delAA).
Protein change: p.Leu643fs; shifts the reading frame from leucine 643.
Molecular consequence: frameshift variant.
Genome position (GRCh38, 1-based): chr6:123,255,108-123,255,109, TT deleted on the plus strand (AA on the coding strand, the reverse complement: TRDN is on the minus strand); deleting any 2 consecutive bases within chr6:123,255,108-123,255,110 gives the same sequence; the c. name uses the placement nearest the transcript's 3' end. VCF-style (leftmost placement, unchanged base first): chr6-123255107-CTT-C. GRCh37 (hg19) VCF-style: chr6-123576252-CTT-C.
Other names: short protein forms L643fs.
Identifiers: ClinVar variation 532364 (VCV000532364.12), dbSNP rs781420323, ClinGen allele CA3983697.

ClinVar aggregate classification (germline): Uncertain significance. Review status: criteria provided, multiple submitters, no conflicts (2 of 4 stars). 3 submissions from 3 submitters: Uncertain significance (3). Last evaluated 2025-10-14.

Conditions:
Catecholaminergic polymorphic ventricular tachycardia 1. Also called: VENTRICULAR TACHYCARDIA, CATECHOLAMINERGIC POLYMORPHIC, 1, WITH OR WITHOUT ATRIAL DYSFUNCTION AND/OR DILATED CARDIOMYOPATHY; RYR2-Related Catecholaminergic Polymorphic Ventricular Tachycardia; VENTRICULAR TACHYCARDIA, STRESS-INDUCED POLYMORPHIC 1. Identifiers: Orphanet 3286, MedGen C1631597, MONDO:0011484, OMIM 604772.
Cardiovascular phenotype. Identifiers: MedGen CN230736.

Submissions (3):

Dasa
Classification: Uncertain significance. Last evaluated: 2025-10-14. Review status: criteria provided, single submitter. Criteria: DASA Assertion Criteria. Collection method: clinical testing. Allele origin: germline.
Comment: NM_006073.4(TRDN):c.1923_1924del (p.Leu643SerfsTer19) is a frameshift variant in TRDN predicted to alter the reading frame and introduce a premature termination codon and is predicted to result in an absent or altered protein product. This variant is rare in population databases. The currently available literature and clinical evidence are not sufficient to establish a definitive association between this variant and the reported condition. Therefore, this variant is classified as a variant of uncertain significance.

Ambry Genetics
Classification: Uncertain significance for Cardiovascular phenotype. Last evaluated: 2025-01-07. Review status: criteria provided, single submitter. Criteria: Ambry Variant Classification Scheme 2023. Collection method: clinical testing. Allele origin: germline.
Comment: The c.1923_1924delAA variant, located in coding exon 37 of the TRDN gene, results from a deletion of two nucleotides at nucleotide positions 1923 to 1924, causing a translational frameshift with a predicted alternate stop codon (p.L643Sfs*19). This alteration has been reported in a sudden unexplained death cohort; however, clinical details were limited (Neubauer J et al. Int J Legal Med, 2021 Jul;135:1341-1349). This alteration is expected to result in loss of function by premature protein truncation or nonsense-mediated mRNA decay. However, this alteration does not impact the predominant cardiac isoform of TRDN (NM_001256021.1; Kobayashi YM et al. J. Biol. Chem., 1999 Oct;274:28660-8). Since supporting evidence is limited at this time, the clinical significance of this alteration remains unclear.

Labcorp Genetics (formerly Invitae), Labcorp
Classification: Uncertain significance for Catecholaminergic polymorphic ventricular tachycardia 1. Last evaluated: 2021-08-31. Review status: criteria provided, single submitter. Criteria: Invitae Variant Classification Sherloc (09022015). Collection method: clinical testing. Allele origin: germline.
Comment: This sequence change creates a premature translational stop signal (p.Leu643Serfs*19) in the TRDN gene. However, it is currently unclear if variants that occur in this region of the gene cause disease. The frequency data for this variant in the population databases is considered unreliable, as metrics indicate poor data quality at this position in the ExAC database. This variant has not been reported in the literature in individuals affected with TRDN-related conditions. In summary, the available evidence is currently insufficient to determine the role of this variant in disease. Therefore, it has been classified as a Variant of Uncertain Significance.

Literature cited by the submitters: PubMed 33895855 (cited by Ambry Genetics).